The following is an entry in ClinVar:

NM_001077653.2(TBX20):c.1061C>A (p.Ser354Tyr)

Gene: TBX20 (T-box transcription factor 20; minus strand). Cytogenetic location: 7p14.2.
Variant type: single nucleotide variant.
Coding change: c.1061C>A on transcript NM_001077653.2 (MANE Select); coding-DNA position 1061, C replaced by A.
Protein change: p.Ser354Tyr; replaces serine 354 with tyrosine.
Molecular consequence: missense variant.
Genome position (GRCh38, 1-based): chr7:35,202,713, G>T on the plus strand (C>A on the coding strand, the complement: TBX20 is on the minus strand). VCF-style: chr7-35202713-G-T. GRCh37 (hg19) VCF-style: chr7-35242325-G-T.
Other names: short protein forms S354Y.
Identifiers: ClinVar variation 3649301 (VCV003649301.2).

ClinVar aggregate classification (germline): Uncertain significance (1 of 4 stars; one submission).

gnomAD v4.1: 1 of 1,596,548 alleles (0.000063%); highest among the groups gnomAD compares: Non-Finnish European, 0.000085%; no homozygotes.

Submission:

Labcorp Genetics (formerly Invitae), Labcorp
Classification: Uncertain significance. Last evaluated: 2024-04-09. Review status: criteria provided, single submitter. Criteria: Invitae Variant Classification Sherloc (09022015). Collection method: clinical testing. Allele origin: germline.
Comment: This sequence change replaces serine, which is neutral and polar, with tyrosine, which is neutral and polar, at codon 354 of the TBX20 protein (p.Ser354Tyr). This variant is not present in population databases (gnomAD no frequency). This variant has not been reported in the literature in individuals affected with TBX20-related conditions. Advanced modeling of protein sequence and biophysical properties (such as structural, functional, and spatial information, amino acid conservation, physicochemical variation, residue mobility, and thermodynamic stability) performed at Invitae indicates that this missense variant is not expected to disrupt TBX20 protein function with a negative predictive value of 80%. In summary, the available evidence is currently insufficient to determine the role of this variant in disease. Therefore, it has been classified as a Variant of Uncertain Significance.